The following is an entry in ClinVar:

ClinVar aggregate classification (germline): Pathogenic. Review status: criteria provided, multiple submitters, no conflicts (2 of 4 stars). 3 submissions from 3 submitters: Pathogenic (2). 1 of the submissions does not count toward it. Last evaluated 2026-01-29.

Conditions:
Usher syndrome type 3. Also called: Usher Syndrome, Type III. Identifiers: Orphanet 231183, MedGen C1568248, MONDO:0016485.

Submissions (3):

Myriad Genetics, Inc.
Classification: Pathogenic for Usher syndrome type 3. Last evaluated: 2026-01-29. Review status: criteria provided, single submitter. Criteria: Myriad Autosomal Dominant, Autosomal Recessive and X-Linked Classification Criteria (2023). Collection method: clinical testing. Allele origin: unknown.
Comment: NM_174878.2(CLRN1):c.188_210del23(Y63Cfs*59) is a frameshift variant classified as pathogenic in the context of usher syndrome type 3. Y63Cfs*59 has been observed in cases with relevant disease (PMID: 12080385, 37798099). Relevant functional assessments of this variant are not available in the literature. Y63Cfs*59 has not been observed in referenced population frequency databases. In summary, NM_174878.2(CLRN1):c.188_210del23(Y63Cfs*59) is a frameshift variant in a gene where loss of function is a known mechanism of disease, is predicted to disrupt protein function, and has been observed more frequently in cases with the relevant disease than in healthy populations. Please note: this variant was assessed in the context of healthy population screening.

Natera, Inc.
Classification: Pathogenic for Usher syndrome type 3. Last evaluated: 2025-05-15. Review status: criteria provided, single submitter. Criteria: Natera Variant Classification Schema (03/2026). Collection method: clinical testing. Allele origin: germline.
Comment: The c.188_210del variant in CLRN1 is a frameshift variant predicted to shift the reading frame beginning at codon 63 and leads to a stop codon 59 codons downstream. This variant is expected to result in nonsense mediated decay, truncation, or a dysfunctional protein product. This variant is rare in the general population with a frequency below the threshold expected for the associated phenotype(s). This variant has been observed in one or more individuals affected with the associated recessive disease, as either homozygous or compound heterozygous with a second variant (PMID: 12080385). Additionally, this variant has been observed to segregate in affected family members (PMID: 12080385). Given the available evidence, this variant is classified as Pathogenic.

OMIM
Classification: Pathogenic for USHER SYNDROME, TYPE IIIA. Last evaluated: 2002-06-01. Review status: no assertion criteria provided. Collection method: literature only. Allele origin: germline. Not counted in ClinVar's aggregate classification.

Literature cited by the submitters: PubMed 12080385 (cited by 3 submitters); PubMed 37798099 (cited by Myriad Genetics, Inc.).

NM_174878.3(CLRN1):c.188_210del (p.Tyr63fs)

Gene: CLRN1 (clarin 1; minus strand). Cytogenetic location: 3q25.1.
Variant type: Deletion.
Coding change: c.188_210del on transcript NM_174878.3 (MANE Select); coding-DNA positions 188 to 210, 23 bases deleted (ACGGGCTTTTCCACGGAGAGGGT).
Protein change: p.Tyr63fs; shifts the reading frame from tyrosine 63.
Molecular consequence: frameshift variant. On other transcripts: non-coding transcript variant (1).
Genome position (GRCh38, 1-based): chr3:150,972,499-150,972,521, ACCCTCTCCGTGGAAAAGCCCGT deleted on the plus strand (ACGGGCTTTTCCACGGAGAGGGT on the coding strand, the reverse complement: CLRN1 is on the minus strand); deleting any 23 consecutive bases within chr3:150,972,499-150,972,523 gives the same sequence; the c. name uses the placement nearest the transcript's 3' end. VCF-style (leftmost placement, unchanged base first): chr3-150972498-CACCCTCTCCGTGGAAAAGCCCGT-C. GRCh37 (hg19) VCF-style: chr3-150690285-CACCCTCTCCGTGGAAAAGCCCGT-C.
Other names: c.188_210del, p.Tyr63fs (NM_001195794.1, NM_001256819.2); short protein forms Y63fs.
Identifiers: ClinVar variation 4398 (VCV000004398.5), dbSNP rs1553776036, ClinGen allele CA645294030.